The following is an entry in ClinVar:

ClinVar aggregate classification (germline): Uncertain significance. Review status: criteria provided, multiple submitters, no conflicts (2 of 4 stars). 6 submissions from 6 submitters: Uncertain significance (6). Last evaluated 2026-01-06.

Conditions:
Hereditary cancer-predisposing syndrome. Also called: Neoplastic Syndromes, Hereditary; Hereditary Cancer Syndrome; Tumor predisposition; Hereditary neoplastic syndrome. Identifiers: Orphanet 140162, MedGen C0027672, MeSH D009386, MONDO:0015356.
NTHL1-related disorder. Also called: NTHL1-related conditions; NTHL1-related condition.
Familial adenomatous polyposis 3. Also called: NTHL1-associated polyposis; NTHL1-related attenuated familial adenomatous polyposis; NTHL1-Related Adenomatous Polyposis and Colorectal Cancer; NTHL1 Tumor Syndrome. Identifiers: Orphanet 220460, Orphanet 454840, MedGen C4225157, MONDO:0014630, OMIM 616415.

Allele frequency attached by ClinVar (database versions not stated): gnomAD 0.00002; TOPMed 0.00003.
gnomAD v4.1: 21 of 1,613,102 alleles (0.0013%); highest among the groups gnomAD compares: Non-Finnish European, 0.0018%; no homozygotes.

Submissions (6):

Labcorp Genetics (formerly Invitae), Labcorp
Classification: Uncertain significance. Last evaluated: 2026-01-06. Review status: criteria provided, single submitter. Criteria: Invitae Variant Classification Sherloc (09022015). Collection method: clinical testing. Allele origin: germline.
Comment: This sequence change replaces proline, which is neutral and non-polar, with leucine, which is neutral and non-polar, at codon 89 of the NTHL1 protein (p.Pro89Leu). This variant is present in population databases (no rsID available, gnomAD 0.0009%). This variant has not been reported in the literature in individuals affected with NTHL1-related conditions. ClinVar contains an entry for this variant (Variation ID: 642938). An algorithm developed to predict the effect of missense changes on protein structure and function (PolyPhen-2) suggests that this variant is likely to be disruptive. In summary, the available evidence is currently insufficient to determine the role of this variant in disease. Therefore, it has been classified as a Variant of Uncertain Significance.

Ambry Genetics
Classification: Uncertain significance for Hereditary cancer-predisposing syndrome. Last evaluated: 2025-01-27. Review status: criteria provided, single submitter. Criteria: Ambry Variant Classification Scheme 2023. Collection method: clinical testing. Allele origin: germline.
Comment: The p.P89L variant (also known as c.266C>T), located in coding exon 2 of the NTHL1 gene, results from a C to T substitution at nucleotide position 266. The proline at codon 89 is replaced by leucine, an amino acid with similar properties. This amino acid position is highly conserved in available vertebrate species. In addition, the in silico prediction for this alteration is inconclusive. Since supporting evidence is limited at this time, the clinical significance of this alteration remains unclear.

Baylor Genetics
Classification: Uncertain significance for Familial adenomatous polyposis 3. Last evaluated: 2023-08-05. Review status: criteria provided, single submitter. Criteria: ACMG Guidelines, 2015. Collection method: clinical testing. Allele origin: unknown.

PreventionGenetics, part of Exact Sciences
Classification: Uncertain significance for NTHL1-related condition. Last evaluated: 2022-10-12. Review status: criteria provided, single submitter. Criteria: ACMG Guidelines, 2015. Collection method: clinical testing. Allele origin: germline.
Comment: The NTHL1 c.266C>T variant is predicted to result in the amino acid substitution p.Pro89Leu. This variants has been reported in two individuals with breast cancer: However, no additional clinical data was provided (Table S6, Li et al. 2021. PubMed ID: 33980861). This variant is reported in 1 of ~251,000 alleles in gnomAD and is interpreted as uncertain significance in ClinVar. At this time, the clinical significance of this variant is uncertain due to the absence of conclusive functional and genetic evidence.

Sema4
Classification: Uncertain significance for Hereditary cancer-predisposing syndrome. Last evaluated: 2022-02-05. Review status: criteria provided, single submitter. Criteria: Sema4 Curation Guidelines. Collection method: curation. Allele origin: germline.
Comment: The NTHL1 c.266C>T (p.P89L) variant has not been reported in the literature to our knowledge. This variant was observed in 1/113268 chromosomes of the Non-Finnish European population in the large and broad cohorts of the Genome Aggregation Database (PMID: 32461654). This variant has been reported in ClinVar (Variation ID: 642938). Functional studies have not been performed, and in silico predictions of the variant's effect on protein function are inconclusive. The evidence is insufficient to meet ACMG/AMP criteria for classifying the variant as benign or pathogenic. Thus, the clinical significance of this variant is currently uncertain.

GeneDx
Classification: Uncertain significance. Last evaluated: 2020-05-18. Review status: criteria provided, single submitter. Criteria: GeneDx Variant Classification Process June 2021. Collection method: clinical testing. Allele origin: germline. Affected: yes.
Comment: Not observed at a significant frequency in large population cohorts (Lek 2016); In silico analysis supports that this missense variant has a deleterious effect on protein structure/function; Has not been previously published as pathogenic or benign to our knowledge

NM_002528.7(NTHL1):c.242C>T (p.Pro81Leu)

Gene: NTHL1 (nth like DNA glycosylase 1; minus strand). Cytogenetic location: 16p13.3.
Variant type: single nucleotide variant.
Coding change: c.242C>T on transcript NM_002528.7 (MANE Select); coding-DNA position 242, C replaced by T.
Protein change: p.Pro81Leu; replaces proline 81 with leucine.
Molecular consequence: missense variant. On other transcripts: intron variant (1).
Genome position (GRCh38, 1-based): chr16:2,046,240, G>A on the plus strand (C>T on the coding strand, the complement: NTHL1 is on the minus strand). VCF-style: chr16-2046240-G-A. GRCh37 (hg19) VCF-style: chr16-2096241-G-A.
Other names: c.242C>T, p.Pro81Leu (NM_001318193.2, LRG_1366t1); c.24+40C>T (NM_001318194.2); short protein forms P81L.
Identifiers: ClinVar variation 642938 (VCV000642938.18), dbSNP rs753642509, ClinGen allele CA394297203.